The following is an entry in ClinVar:

NM_001005242.3(PKP2):c.1176C>A (p.Asn392Lys)

Gene: PKP2 (plakophilin 2; minus strand). Cytogenetic location: 12p11.21.
Variant type: single nucleotide variant.
Coding change: c.1176C>A on transcript NM_001005242.3 (MANE Select); coding-DNA position 1176, C replaced by A.
Protein change: p.Asn392Lys; replaces asparagine 392 with lysine.
Molecular consequence: missense variant.
Genome position (GRCh38, 1-based): chr12:32,850,968, G>T on the plus strand (C>A on the coding strand, the complement: PKP2 is on the minus strand). VCF-style: chr12-32850968-G-T. GRCh37 (hg19) VCF-style: chr12-33003902-G-T.
Other names: c.1176C>A, p.Asn392Lys (NM_001407155.1, NM_001407156.1, NM_001407157.1 and 2 more transcripts); c.849C>A, p.Asn283Lys (NM_001407158.1, NM_001407159.1, NM_001407160.1 and 1 more transcripts); short protein forms N392K, N283K.
Identifiers: ClinVar variation 2234155 (VCV002234155.4), dbSNP rs2541287052, ClinGen allele CA384371105.

ClinVar aggregate classification (germline): Uncertain significance. Review status: criteria provided, multiple submitters, no conflicts (2 of 4 stars). 2 submissions from 2 submitters: Uncertain significance (2). Last evaluated 2026-09-11.

Conditions:
Arrhythmogenic right ventricular dysplasia 9 (ARVD9). Also called: Arrhythmogenic Right Ventricular Dysplasia/Cardiomyopathy 9; ARRHYTHMOGENIC RIGHT VENTRICULAR DYSPLASIA, FAMILIAL, 9. Identifiers: MedGen C1836906, MONDO:0012180, OMIM 609040.
Cardiovascular phenotype. Identifiers: MedGen CN230736.

Submissions (2):

Ambry Genetics
Classification: Uncertain significance for Cardiovascular phenotype. Last evaluated: 2026-09-11. Review status: criteria provided, single submitter. Criteria: Ambry Variant Classification Scheme 2023. Collection method: clinical testing. Allele origin: germline.
Comment: The p.N392K variant (also known as c.1176C>A), located in coding exon 5 of the PKP2 gene, results from a C to A substitution at nucleotide position 1176. The asparagine at codon 392 is replaced by lysine, an amino acid with similar properties. This amino acid position is conserved. In addition, this alteration is predicted to be tolerated by in silico analysis. Based on the available evidence, the clinical significance of this variant remains unclear.

Labcorp Genetics (formerly Invitae), Labcorp
Classification: Uncertain significance for Arrhythmogenic right ventricular dysplasia 9. Last evaluated: 2026-01-01. Review status: criteria provided, single submitter. Criteria: Invitae Variant Classification Sherloc (09022015). Collection method: clinical testing. Allele origin: germline.
Comment: This sequence change replaces asparagine, which is neutral and polar, with lysine, which is basic and polar, at codon 392 of the PKP2 protein (p.Asn392Lys). This variant is not present in population databases (gnomAD no frequency). This variant has not been reported in the literature in individuals affected with PKP2-related conditions. ClinVar contains an entry for this variant (Variation ID: 2234155). An algorithm developed to predict the effect of missense changes on protein structure and function (PolyPhen-2) suggests that this variant is likely to be tolerated. In summary, the available evidence is currently insufficient to determine the role of this variant in disease. Therefore, it has been classified as a Variant of Uncertain Significance.